The following is an entry in ClinVar:

NM_000455.5(STK11):c.1118C>T (p.Pro373Leu)

Gene: STK11 (serine/threonine kinase 11; plus strand). Cytogenetic location: 19p13.3.
Variant type: single nucleotide variant.
Coding change: c.1118C>T on transcript NM_000455.5 (MANE Select); coding-DNA position 1118, C replaced by T.
Protein change: p.Pro373Leu; replaces proline 373 with leucine.
Molecular consequence: missense variant.
Genome position (GRCh38, 1-based): chr19:1,226,463, C>T. VCF-style: chr19-1226463-C-T. GRCh37 (hg19) VCF-style: chr19-1226462-C-T.
Other names: short protein forms P373L.
Identifiers: ClinVar variation 234671 (VCV000234671.24), dbSNP rs876661153, ClinGen allele CA10577599.
Genomic context (GRCh38, chr19:1,226,463, plus strand): 5'-CTCTGGGGTTGCGCCCCTCAGCTCAGGCCACACTTGCCGTCTCCCTCCCAGGACAGGTCC[C>T]AGAAGAGGAGGCCAGTCACAATGGACAGCGCCGGGGCCTCCCCAAGGCCGTGTGTATGAA-3'
Protein context (NP_000446.1, residues 363-383): TQDFTVPGQV[Pro373Leu]EEEASHNGQR

ClinVar aggregate classification (germline): Conflicting classifications of pathogenicity. Review status: criteria provided, conflicting classifications (1 of 4 stars). 6 submissions from 6 submitters: Uncertain significance (4); Benign (1); Likely benign (1). Last evaluated 2025-11-10.

Conditions:
Hereditary cancer-predisposing syndrome. Also called: Tumor predisposition; Hereditary Cancer Syndrome; Hereditary neoplastic syndrome; Neoplastic Syndromes, Hereditary. Identifiers: Orphanet 140162, MedGen C0027672, MeSH D009386, MONDO:0015356.
Peutz-Jeghers syndrome (PJS). Also called: POLYPOSIS, HAMARTOMATOUS INTESTINAL; POLYPS-AND-SPOTS SYNDROME; Peutz-Jeghers polyposis; Periorificial lentiginosis syndrome. Identifiers: Orphanet 2869, MedGen C0031269, MeSH D010580, MONDO:0008280, OMIM 175200.

Allele frequency attached by ClinVar (database versions not stated): gnomAD exomes below 0.00001 and 0.00001; gnomAD 0.00001 and 0.00003; TOPMed 0.00001.
gnomAD v4.1: 7 of 1,610,806 alleles (0.00043%); highest among the groups gnomAD compares: East Asian, 0.0067%; no homozygotes.

Submissions (6):

Labcorp Genetics (formerly Invitae), Labcorp
Classification: Benign for Peutz-Jeghers syndrome. Last evaluated: 2025-11-10. Review status: criteria provided, single submitter. Criteria: Invitae Variant Classification Sherloc (09022015). Collection method: clinical testing. Allele origin: germline.

All of Us Research Program, National Institutes of Health
Classification: Uncertain significance for Peutz-Jeghers syndrome. Last evaluated: 2024-05-14. Review status: criteria provided, single submitter. Criteria: ACMG Guidelines, 2015. Collection method: clinical testing. Allele origin: germline. Inheritance: Autosomal dominant inheritance. Observed: 1 variant allele, 1 heterozygote.
Comment: This missense variant replaces proline with leucine at codon 373 of the STK11 protein. Computational prediction suggests that this variant may not impact protein structure and function (internally defined REVEL score threshold <= 0.5, PMID: 27666373). To our knowledge, functional studies have not been reported for this variant. This variant has not been reported in individuals affected with STK11-related disorders in the literature. This variant has been identified in 4/272332 chromosomes in the general population by the Genome Aggregation Database (gnomAD). The available evidence is insufficient to determine the role of this variant in disease conclusively. Therefore, this variant is classified as a Variant of Uncertain Significance.

This study involves interpretation of variants in research participants for the purpose of population health screening. Participant phenotype was not available at the time of variant classification. Additional details can be found in publication PMID: 35346344, PMCID: PMC8962531

Color Diagnostics, LLC DBA Color Health
Classification: Uncertain significance for Hereditary cancer-predisposing syndrome. Last evaluated: 2024-03-06. Review status: criteria provided, single submitter. Criteria: ACMG Guidelines, 2015. Collection method: clinical testing. Allele origin: germline.
Comment: This missense variant replaces proline with leucine at codon 373 of the STK11 protein. Computational prediction suggests that this variant may not impact protein structure and function (internally defined REVEL score threshold <= 0.5, PMID: 27666373). To our knowledge, functional studies have not been reported for this variant. This variant has not been reported in individuals affected with STK11-related disorders in the literature. This variant has been identified in 4/272332 chromosomes in the general population by the Genome Aggregation Database (gnomAD). The available evidence is insufficient to determine the role of this variant in disease conclusively. Therefore, this variant is classified as a Variant of Uncertain Significance.

GeneDx
Classification: Uncertain significance. Last evaluated: 2023-06-28. Review status: criteria provided, single submitter. Criteria: GeneDx Variant Classification Process June 2021. Collection method: clinical testing. Allele origin: germline. Affected: yes.
Comment: In silico analysis supports that this missense variant does not alter protein structure/function; Has not been previously published as pathogenic or benign to our knowledge; This variant is associated with the following publications: (PMID: 28900777)

Ambry Genetics
Classification: Likely benign for Hereditary cancer-predisposing syndrome. Last evaluated: 2022-05-06. Review status: criteria provided, single submitter. Criteria: Ambry Variant Classification Scheme 2023. Collection method: clinical testing. Allele origin: germline.

Genome-Nilou Lab
Classification: Uncertain significance for Peutz-Jeghers syndrome. Last evaluated: 2021-07-15. Review status: criteria provided, single submitter. Criteria: ACMG Guidelines, 2015. Collection method: clinical testing. Allele origin: germline. Affected: no.